The following is an entry in ClinVar:

ClinVar aggregate classification (germline): Uncertain significance (1 of 4 stars; one submission).

Conditions:
Autoimmune lymphoproliferative syndrome, type III caused by mutation in PRKCD. Identifiers: Orphanet 3261, Orphanet 664711, MedGen C3809928, MONDO:8000024, OMIM 615559.

Allele frequency attached by ClinVar (database versions not stated): gnomAD exomes 0.00001; ExAC 0.00003; gnomAD 0.00004; TOPMed 0.00004; ESP Exome Variant Server 0.00008.
gnomAD v4.1: 16 of 1,613,732 alleles (0.00099%); highest among the groups gnomAD compares: African/African-American, 0.013%; no homozygotes.

Submission:

Labcorp Genetics (formerly Invitae), Labcorp
Classification: Uncertain significance for Autoimmune lymphoproliferative syndrome, type III caused by mutation in PRKCD. Last evaluated: 2022-06-27. Review status: criteria provided, single submitter. Criteria: Invitae Variant Classification Sherloc (09022015). Collection method: clinical testing. Allele origin: germline.
Comment: In summary, the available evidence is currently insufficient to determine the role of this variant in disease. Therefore, it has been classified as a Variant of Uncertain Significance. Algorithms developed to predict the effect of missense changes on protein structure and function (SIFT, PolyPhen-2, Align-GVGD) all suggest that this variant is likely to be tolerated. ClinVar contains an entry for this variant (Variation ID: 853731). This variant has not been reported in the literature in individuals affected with PRKCD-related conditions. This variant is present in population databases (rs370069134, gnomAD 0.01%). This sequence change replaces valine, which is neutral and non-polar, with methionine, which is neutral and non-polar, at codon 125 of the PRKCD protein (p.Val125Met).

NM_006254.4(PRKCD):c.373G>A (p.Val125Met)

Genes: PRKCD (protein kinase C delta; plus strand), LOC129936895 (ATAC-STARR-seq lymphoblastoid active region 19963; plus strand). Cytogenetic location: 3p21.1.
Variant type: single nucleotide variant.
Coding change: c.373G>A on transcript NM_006254.4 (MANE Select); coding-DNA position 373, G replaced by A.
Protein change: p.Val125Met; replaces valine 125 with methionine.
Molecular consequence: missense variant.
Genome position (GRCh38, 1-based): chr3:53,181,264, G>A. VCF-style: chr3-53181264-G-A. GRCh37 (hg19) VCF-style: chr3-53215280-G-A.
Other names: c.373G>A, p.Val125Met (NM_001316327.2, NM_001354679.2, NM_001354680.2 and 1 more transcripts); c.430G>A, p.Val144Met (NM_001354676.2); c.421G>A, p.Val141Met (NM_001354678.2); short protein forms V125M, V144M, V141M.
Identifiers: ClinVar variation 853731 (VCV000853731.7), dbSNP rs370069134, ClinGen allele CA2451764.